The following is an entry in ClinVar:

ClinVar aggregate classification (germline): Uncertain significance (1 of 4 stars; one submission).

Allele frequency attached by ClinVar (database versions not stated): ExAC 0.00001; gnomAD exomes 0.00001; gnomAD 0.00003 and 0.00004.

Submission:

Labcorp Genetics (formerly Invitae), Labcorp
Classification: Uncertain significance. Last evaluated: 2021-08-28. Review status: criteria provided, single submitter. Criteria: Invitae Variant Classification Sherloc (09022015). Collection method: clinical testing. Allele origin: germline.
Comment: This sequence change replaces methionine with threonine at codon 568 of the ICK protein (p.Met568Thr). The methionine residue is moderately conserved and there is a moderate physicochemical difference between methionine and threonine. This variant is present in population databases (rs751342674, ExAC 0.01%). This variant has not been reported in the literature in individuals affected with ICK-related conditions. Algorithms developed to predict the effect of missense changes on protein structure and function (SIFT, PolyPhen-2, Align-GVGD) all suggest that this variant is likely to be tolerated. In summary, the available evidence is currently insufficient to determine the role of this variant in disease. Therefore, it has been classified as a Variant of Uncertain Significance.

NM_014920.5(CILK1):c.1703T>C (p.Met568Thr)

Gene: CILK1 (ciliogenesis associated kinase 1; minus strand). Cytogenetic location: 6p12.1.
Variant type: single nucleotide variant.
Coding change: c.1703T>C on transcript NM_014920.5 (MANE Select); coding-DNA position 1703, T replaced by C.
Protein change: p.Met568Thr; replaces methionine 568 with threonine.
Molecular consequence: missense variant. On other transcripts: non-coding transcript variant (1).
Genome position (GRCh38, 1-based): chr6:53,006,356, A>G on the plus strand (T>C on the coding strand, the complement: CILK1 is on the minus strand). VCF-style: chr6-53006356-A-G. GRCh37 (hg19) VCF-style: chr6-52871154-A-G.
Other names: c.1724T>C, p.Met575Thr (NM_001375397.1); c.1703T>C, p.Met568Thr (NM_001375398.1, NM_001375399.1, NM_001375400.1 and 3 more transcripts); short protein forms M568T, M575T.
Identifiers: ClinVar variation 1680533 (VCV001680533.5), dbSNP rs751342674, ClinGen allele CA3858485.